The following is an entry in ClinVar:

ClinVar aggregate classification (germline): Likely benign (0 of 4 stars; one submission).

Conditions:
LEPR-related disorder. Also called: LEPR-related disorders; LEPR-related condition.

Allele frequency attached by ClinVar (database versions not stated): gnomAD 0.00002; TOPMed 0.00004.
gnomAD v4.1: 64 of 1,613,380 alleles (0.004%); highest among the groups gnomAD compares: Non-Finnish European, 0.0052%; no homozygotes.

Submission:

PreventionGenetics, part of Exact Sciences
Classification: Likely benign for LEPR-related condition. Last evaluated: 2022-04-20. Review status: no assertion criteria provided. Collection method: clinical testing. Allele origin: germline.
Comment: This variant is classified as likely benign based on ACMG/AMP sequence variant interpretation guidelines (Richards et al. 2015 PMID: 25741868, with internal and published modifications).

NM_002303.6(LEPR):c.937C>T (p.Leu313=)

Gene: LEPR (leptin receptor; plus strand). Cytogenetic location: 1p31.3.
Variant type: single nucleotide variant.
Coding change: c.937C>T on transcript NM_002303.6 (MANE Select); coding-DNA position 937, C replaced by T.
Protein change: p.Leu313=; no amino-acid change (leucine 313 retained).
Molecular consequence: synonymous variant.
Genome position (GRCh38, 1-based): chr1:65,598,747, C>T. VCF-style: chr1-65598747-C-T. GRCh37 (hg19) VCF-style: chr1-66064430-C-T.
Other names: c.937C>T, p.Leu313= (NM_001003679.3, NM_001003680.3, NM_001198687.2 and 2 more transcripts).
Identifiers: ClinVar variation 3059866 (VCV003059866.2), dbSNP rs1243100761, ClinGen allele CA418227863.